The following is an entry in ClinVar:

NM_004655.4(AXIN2):c.2141+4A>G

Gene: AXIN2 (axin 2; minus strand). Cytogenetic location: 17q24.1.
Variant type: single nucleotide variant.
Coding change: c.2141+4A>G on transcript NM_004655.4 (MANE Select); 4 bases into the intron after coding-DNA position 2141, A replaced by G.
Molecular consequence: intron variant.
Genome position (GRCh38, 1-based): chr17:65,536,316, T>C on the plus strand (A>G on the coding strand, the complement: AXIN2 is on the minus strand). VCF-style: chr17-65536316-T-C. GRCh37 (hg19) VCF-style: chr17-63532434-T-C.
Other names: c.2141+4A>G (LRG_296t1); c.1946+4A>G (NM_001363813.1).
Identifiers: ClinVar variation 419353 (VCV000419353.22), dbSNP rs376613525, ClinGen allele CA8718404.

ClinVar aggregate classification (germline): Uncertain significance. Review status: criteria provided, multiple submitters, no conflicts (2 of 4 stars). 5 submissions from 5 submitters: Uncertain significance (5). Last evaluated 2026-05-07.

Conditions:
AXIN2-related disorder.
Hereditary cancer-predisposing syndrome. Also called: Hereditary Cancer Syndrome; Tumor predisposition; Hereditary neoplastic syndrome; Neoplastic Syndromes, Hereditary. Identifiers: Orphanet 140162, MedGen C0027672, MeSH D009386, MONDO:0015356.
Oligodontia-cancer predisposition syndrome. Also called: TOOTH AGENESIS-COLORECTAL CANCER SYNDROME. Identifiers: Orphanet 300576, MedGen C1837750, MONDO:0012075, OMIM 608615. Disease mechanism: loss of function.

Allele frequency attached by ClinVar (database versions not stated): gnomAD 0.00001; gnomAD exomes 0.00002 and 0.00004; TOPMed 0.00003; ESP Exome Variant Server 0.00008; ExAC 0.00007.
gnomAD v4.1: 15 of 1,606,446 alleles (0.00093%); highest among the groups gnomAD compares: South Asian, 0.0045%; no homozygotes.

Submissions (5):

PreventionGenetics, part of Exact Sciences
Classification: Uncertain significance for AXIN2-related condition. Last evaluated: 2026-05-07. Review status: criteria provided, single submitter. Criteria: ACMG Guidelines, 2015. Collection method: clinical testing. Allele origin: germline.
Comment: The AXIN2 c.2141+4A>G variant is predicted to interfere with splicing. This variant is predicted to alter splicing based on available splicing prediction programs (SpliceAI, Jaganathan et al. 2019. PubMed ID: 30661751). To our knowledge, this variant has not been reported in the literature. This variant is reported in 0.014% of alleles in individuals of South Asian descent in gnomAD. At this time, the clinical significance of this variant is uncertain due to the absence of conclusive functional and genetic evidence.

Praxis Für Humangenetik, Biosciencia MVZ Labor Saar
Classification: Uncertain significance for Hereditary cancer-predisposing syndrome. Last evaluated: 2026-02-05. Review status: criteria provided, single submitter. Criteria: ACMG Guidelines, 2015. Collection method: curation. Allele origin: germline. Affected: no.
Comment: PM2, PP3

Labcorp Genetics (formerly Invitae), Labcorp
Classification: Uncertain significance for Oligodontia-cancer predisposition syndrome. Last evaluated: 2026-01-21. Review status: criteria provided, single submitter. Criteria: Invitae Variant Classification Sherloc (09022015). Collection method: clinical testing. Allele origin: germline.
Comment: This sequence change falls in intron 8 of the AXIN2 gene. It does not directly change the encoded amino acid sequence of the AXIN2 protein. It affects a nucleotide within the consensus splice site. This variant is present in population databases (rs376613525, gnomAD 0.01%). This variant has not been reported in the literature in individuals affected with AXIN2-related conditions. ClinVar contains an entry for this variant (Variation ID: 419353). Variants that disrupt the consensus splice site are a relatively common cause of aberrant splicing (PMID: 17576681, 9536098). Studies have shown that this variant is associated with inconclusive levels of altered splicing (internal data). In summary, the available evidence is currently insufficient to determine the role of this variant in disease. Therefore, it has been classified as a Variant of Uncertain Significance.

Ambry Genetics
Classification: Uncertain significance for Hereditary cancer-predisposing syndrome. Last evaluated: 2025-05-08. Review status: criteria provided, single submitter. Criteria: Ambry Variant Classification Scheme 2023. Collection method: clinical testing. Allele origin: germline.
Comment: The c.2141+4A>G intronic variant results from an A to G substitution 4 nucleotides after coding exon 7 in the AXIN2 gene. This nucleotide position is highly conserved in available vertebrate species. In silico splice site analysis predicts that this alteration will result in the creation or strengthening of a novel splice donor site; however, direct evidence is insufficient at this time (Ambry internal data). Since supporting evidence is limited at this time, the clinical significance of this alteration remains unclear.

GeneDx
Classification: Uncertain significance. Last evaluated: 2024-11-05. Review status: criteria provided, single submitter. Criteria: GeneDx Variant Classification Process June 2021. Collection method: clinical testing. Allele origin: germline. Affected: yes.
Comment: In silico analysis supports a deleterious effect on splicing; Has not been previously published as pathogenic or benign to our knowledge

Literature cited by the submitters: PubMed 17576681 (cited by Labcorp Genetics (formerly Invitae), Labcorp); PubMed 9536098 (cited by Labcorp Genetics (formerly Invitae), Labcorp).